The following is an entry in ClinVar:

NM_001165967.2(HES7):c.409C>G (p.Arg137Gly)

Gene: HES7 (hes family bHLH transcription factor 7; minus strand). Cytogenetic location: 17p13.1.
Variant type: single nucleotide variant.
Coding change: c.409C>G on transcript NM_001165967.2 (MANE Select); coding-DNA position 409, C replaced by G.
Protein change: p.Arg137Gly; replaces arginine 137 with glycine.
Molecular consequence: missense variant.
Genome position (GRCh38, 1-based): chr17:8,121,855, G>C on the plus strand (C>G on the coding strand, the complement: HES7 is on the minus strand). VCF-style: chr17-8121855-G-C. GRCh37 (hg19) VCF-style: chr17-8025173-G-C.
Other names: c.394C>G, p.Arg132Gly (NM_032580.4); short protein forms R137G, R132G.
Identifiers: ClinVar variation 1495636 (VCV001495636.8), dbSNP rs779182972, ClinGen allele CA8368641.

ClinVar aggregate classification (germline): Uncertain significance (1 of 4 stars; one submission).

Allele frequency attached by ClinVar (database versions not stated): gnomAD 0.00001; ExAC 0.00002; gnomAD exomes 0.00003.
gnomAD v4.1: 9 of 1,571,898 alleles (0.00057%); highest among the groups gnomAD compares: Admixed American, 0.01%; no homozygotes.

Submission:

Labcorp Genetics (formerly Invitae), Labcorp
Classification: Uncertain significance. Last evaluated: 2023-08-10. Review status: criteria provided, single submitter. Criteria: Invitae Variant Classification Sherloc (09022015). Collection method: clinical testing. Allele origin: germline.
Comment: This sequence change replaces arginine, which is basic and polar, with glycine, which is neutral and non-polar, at codon 132 of the HES7 protein (p.Arg132Gly). This variant is present in population databases (rs779182972, gnomAD 0.02%). In summary, the available evidence is currently insufficient to determine the role of this variant in disease. Therefore, it has been classified as a Variant of Uncertain Significance. An algorithm developed to predict the effect of missense changes on protein structure and function (PolyPhen-2) suggests that this variant is likely to be disruptive. ClinVar contains an entry for this variant (Variation ID: 1495636). This variant has not been reported in the literature in individuals affected with HES7-related conditions.